The following is an entry in ClinVar:

ClinVar aggregate classification (germline): Likely benign. Review status: criteria provided, single submitter (1 of 4 stars). 2 submissions from 2 submitters: Likely benign (1). 1 of the submissions does not count toward it. Last evaluated 2023-08-24.

Conditions:
BBS1-related disorder. Also called: BBS1-related condition.
Bardet-Biedl syndrome (BBS). Identifiers: Orphanet 110, MedGen C0752166, MONDO:0015229.

Allele frequency attached by ClinVar (database versions not stated): TOPMed below 0.00001; ExAC 0.00001; gnomAD exomes 0.00002.
gnomAD v4.1: 6 of 1,614,250 alleles (0.00037%); highest among the groups gnomAD compares: Admixed American, 0.01%; no homozygotes.

Submissions (2):

Labcorp Genetics (formerly Invitae), Labcorp
Classification: Likely benign for Bardet-Biedl syndrome. Last evaluated: 2023-08-24. Review status: criteria provided, single submitter. Criteria: Invitae Variant Classification Sherloc (09022015). Collection method: clinical testing. Allele origin: germline.

PreventionGenetics, part of Exact Sciences
Classification: Likely benign for BBS1-related condition. Last evaluated: 2022-08-03. Review status: no assertion criteria provided. Collection method: clinical testing. Allele origin: germline. Not counted in ClinVar's aggregate classification.
Comment: This variant is classified as likely benign based on ACMG/AMP sequence variant interpretation guidelines (Richards et al. 2015 PMID: 25741868, with internal and published modifications).

NM_024649.5(BBS1):c.1533C>G (p.Thr511=)

Genes: BBS1 (Bardet-Biedl syndrome 1; plus strand), ZDHHC24 (zDHHC palmitoyltransferase 24; minus strand). Cytogenetic location: 11q13.2.
Variant type: single nucleotide variant.
Coding change: c.1533C>G on transcript NM_024649.5 (MANE Select); coding-DNA position 1533, C replaced by G.
Protein change: p.Thr511=; no amino-acid change (threonine 511 retained).
Molecular consequence: synonymous variant. On other transcripts: intron variant (1).
Genome position (GRCh38, 1-based): chr11:66,530,953, C>G. VCF-style: chr11-66530953-C-G. GRCh37 (hg19) VCF-style: chr11-66298424-C-G.
Other names: c.560-1465G>C (NM_001348571.2).
Identifiers: ClinVar variation 1117097 (VCV001117097.11), dbSNP rs112953332, ClinGen allele CA6123802.